The following is an entry in ClinVar:

NM_021961.6(TEAD1):c.664dup (p.Ser222fs)

Gene: TEAD1 (TEA domain transcription factor 1; plus strand). Cytogenetic location: 11p15.3.
Variant type: Duplication.
Coding change: c.664dup on transcript NM_021961.6 (MANE Select); coding-DNA position 664, one base duplicated (T; older notation c.664dupT).
Protein change: p.Ser222fs; shifts the reading frame from serine 222.
Molecular consequence: frameshift variant.
Genome position (GRCh38, 1-based): chr11:12,883,090, T duplicated; the last of 4 consecutive T bases (chr11:12,883,087-12,883,090); duplicating any one gives the same sequence. VCF-style (leftmost placement, unchanged base first): chr11-12883086-A-AT. GRCh37 (hg19) VCF-style: chr11-12904633-A-AT.
Other names: short protein forms S222fs.
Identifiers: ClinVar variation 3728204 (VCV003728204.2).

ClinVar aggregate classification (germline): Uncertain significance (1 of 4 stars; one submission).

Submission:

Labcorp Genetics (formerly Invitae), Labcorp
Classification: Uncertain significance. Last evaluated: 2024-12-28. Review status: criteria provided, single submitter. Criteria: Invitae Variant Classification Sherloc (09022015). Collection method: clinical testing. Allele origin: germline.
Comment: This sequence change creates a premature translational stop signal (p.Ser222Phefs*30) in the TEAD1 gene. It is expected to result in an absent or disrupted protein product. However, the current clinical and genetic evidence is not sufficient to establish whether loss-of-function variants in TEAD1 cause disease. This variant is not present in population databases (gnomAD no frequency). This variant has not been reported in the literature in individuals affected with TEAD1-related conditions. In summary, the available evidence is currently insufficient to determine the role of this variant in disease. Therefore, it has been classified as a Variant of Uncertain Significance.